The following is an entry in ClinVar:

NM_213618.2(DENND2B):c.-25-25461_-25-25460insGTTGT

Genes: DENND2B (DENN domain containing 2B; minus strand), DENND2B-AS1 (DENND2B antisense RNA 1; plus strand). Cytogenetic location: 11p15.4.
Variant type: Microsatellite.
Coding change: c.-25-25461_-25-25460insGTTGT on transcript NM_213618.2 (MANE Select); 25461 bases into the intron before 25 bases upstream of the start codon through 25460 bases into the intron before 25 bases upstream of the start codon, GTTGT inserted.
Molecular consequence: intron variant.
Genome position: GRCh38 VCF-style: chr11-8776185-C-CACACA. GRCh37 (hg19) VCF-style: chr11-8797732-C-CACACA.
Other names: c.-25-25461_-25-25460insGTTGT (NM_001376498.1, NM_005418.4, NM_001376496.1 and 6 more transcripts); c.-26+18501_-26+18502insGTTGT (NM_001376502.1); c.-108+34331_-108+34332insGTTGT (NM_001376505.1); c.-245+34331_-245+34332insGTTGT (NM_001376506.1); c.-461+34331_-461+34332insGTTGT (NM_001376499.1); c.-204-25461_-204-25460insGTTGT (NM_001376500.1).
Identifiers: ClinVar variation 2641584 (VCV002641584.24), dbSNP rs772460904.

ClinVar aggregate classification (germline): Likely benign (1 of 4 stars; one submission).

Submission:

CeGaT Center for Human Genetics Tuebingen
Classification: Likely benign. Last evaluated: 2023-03-01. Review status: criteria provided, single submitter. Criteria: CeGaT Center For Human Genetics Tuebingen Variant Classification Criteria Version 2. Collection method: clinical testing. Allele origin: germline. Affected: yes. Observed: 3 variant alleles.
Comment: DENND2B: BS2